The following is an entry in ClinVar:

ClinVar aggregate classification (germline): Uncertain significance. Review status: criteria provided, multiple submitters, no conflicts (2 of 4 stars). 2 submissions from 2 submitters: Uncertain significance (2). Last evaluated 2025-09-02.

Allele frequency attached by ClinVar (database versions not stated): ExAC 0.00001; gnomAD 0.00001; gnomAD exomes 0.00001 and 0.00003; TOPMed 0.00002.
gnomAD v4.1: 48 of 1,614,044 alleles (0.003%); highest among the groups gnomAD compares: Non-Finnish European, 0.0037%; no homozygotes.

Submissions (2):

Labcorp Genetics (formerly Invitae), Labcorp
Classification: Uncertain significance. Last evaluated: 2025-09-02. Review status: criteria provided, single submitter. Criteria: Invitae Variant Classification Sherloc (09022015). Collection method: clinical testing. Allele origin: germline.
Comment: This sequence change replaces histidine, which is basic and polar, with arginine, which is basic and polar, at codon 814 of the PITPNM3 protein (p.His814Arg). This variant is present in population databases (rs762610744, gnomAD 0.002%). This variant has not been reported in the literature in individuals affected with PITPNM3-related conditions. ClinVar contains an entry for this variant (Variation ID: 954872). Invitae Evidence Modeling of protein sequence and biophysical properties (such as structural, functional, and spatial information, amino acid conservation, physicochemical variation, residue mobility, and thermodynamic stability) indicates that this missense variant is not expected to disrupt PITPNM3 protein function with a negative predictive value of 80%. In summary, the available evidence is currently insufficient to determine the role of this variant in disease. Therefore, it has been classified as a Variant of Uncertain Significance.

Ambry Genetics
Classification: Uncertain significance. Last evaluated: 2024-10-03. Review status: criteria provided, single submitter. Criteria: Ambry Variant Classification Scheme 2023. Collection method: clinical testing. Allele origin: germline.

NM_031220.4(PITPNM3):c.2441A>G (p.His814Arg)

Gene: PITPNM3 (PITPNM family member 3; minus strand). Cytogenetic location: 17p13.2.
Variant type: single nucleotide variant.
Coding change: c.2441A>G on transcript NM_031220.4 (MANE Select); coding-DNA position 2441, A replaced by G.
Protein change: p.His814Arg; replaces histidine 814 with arginine.
Molecular consequence: missense variant.
Genome position (GRCh38, 1-based): chr17:6,461,422, T>C on the plus strand (A>G on the coding strand, the complement: PITPNM3 is on the minus strand). VCF-style: chr17-6461422-T-C. GRCh37 (hg19) VCF-style: chr17-6364742-T-C.
Other names: c.2333A>G, p.His778Arg (NM_001165966.2); short protein forms H814R, H778R.
Identifiers: ClinVar variation 954872 (VCV000954872.8), dbSNP rs762610744, ClinGen allele CA8329175.